The following is an entry in ClinVar:

ClinVar aggregate classification (germline): Uncertain significance (1 of 4 stars; one submission).

Conditions:
EP300-related disorder. Also called: EP300-related condition; EP300-related disorders.

Submission:

PreventionGenetics, part of Exact Sciences
Classification: Uncertain significance for EP300-related condition. Last evaluated: 2026-02-09. Review status: criteria provided, single submitter. Criteria: ACMG Guidelines, 2015. Collection method: clinical testing. Allele origin: germline.
Comment: The EP300 c.7124A>G variant is predicted to result in the amino acid substitution p.Gln2375Arg. To our knowledge, this variant has not been reported in the literature or in a large population database (gnomAD), indicating this variant is rare. At this time, the clinical significance of this variant is uncertain due to the absence of conclusive functional and genetic evidence.

NM_001429.4(EP300):c.7124A>G (p.Gln2375Arg)

Gene: EP300 (EP300 lysine acetyltransferase; plus strand). Cytogenetic location: 22q13.2.
Variant type: single nucleotide variant.
Coding change: c.7124A>G on transcript NM_001429.4 (MANE Select); coding-DNA position 7124, A replaced by G.
Protein change: p.Gln2375Arg; replaces glutamine 2375 with arginine.
Molecular consequence: missense variant.
Genome position (GRCh38, 1-based): chr22:41,178,835, A>G. VCF-style: chr22-41178835-A-G. GRCh37 (hg19) VCF-style: chr22-41574839-A-G.
Other names: c.7046A>G, p.Gln2349Arg (NM_001362843.2); short protein forms Q2349R, Q2375R.
Identifiers: ClinVar variation 4995429 (VCV004995429.1).